The following is an entry in ClinVar:

NM_000238.4(KCNH2):c.2685G>T (p.Thr895=)

Gene: KCNH2 (potassium voltage-gated channel subfamily H member 2; minus strand). Cytogenetic location: 7q36.1.
Variant type: single nucleotide variant.
Coding change: c.2685G>T on transcript NM_000238.4 (MANE Select); coding-DNA position 2685, G replaced by T.
Protein change: p.Thr895=; no amino-acid change (threonine 895 retained).
Molecular consequence: synonymous variant.
Genome position (GRCh38, 1-based): chr7:150,948,451, C>A on the plus strand (G>T on the coding strand, the complement: KCNH2 is on the minus strand). VCF-style: chr7-150948451-C-A. GRCh37 (hg19) VCF-style: chr7-150645539-C-A.
Other names: c.1665G>T, p.Thr555= (NM_172057.3).
Identifiers: ClinVar variation 1140235 (VCV001140235.14), dbSNP rs376008424, ClinGen allele CA034153.

ClinVar aggregate classification (germline): Likely benign. Review status: criteria provided, multiple submitters, no conflicts (2 of 4 stars). 4 submissions from 4 submitters: Likely benign (4). Last evaluated 2026-01-17.

Conditions:
Long QT syndrome (LQTS). Identifiers: MedGen C0023976, MeSH D008133, MONDO:0002442. Disease mechanism: loss of function. Inheritance: Various modes of inheritance.
Cardiovascular phenotype. Identifiers: MedGen CN230736.
Cardiac arrhythmia. Also called: Arrhythmia; Cardiac rhythm disease. Identifiers: MedGen C0003811, MONDO:0007263, HP:0011675.

Allele frequency attached by ClinVar (database versions not stated): ExAC 0.00001; gnomAD 0.00001; ESP Exome Variant Server 0.00008.
gnomAD v4.1: 5 of 1,601,334 alleles (0.00031%); highest among the groups gnomAD compares: Non-Finnish European, 0.00043%; no homozygotes.

Submissions (4):

Labcorp Genetics (formerly Invitae), Labcorp
Classification: Likely benign for Long QT syndrome. Last evaluated: 2026-01-17. Review status: criteria provided, single submitter. Criteria: Invitae Variant Classification Sherloc (09022015). Collection method: clinical testing. Allele origin: germline.

All of Us Research Program, National Institutes of Health
Classification: Likely benign for Long QT syndrome. Last evaluated: 2024-02-05. Review status: criteria provided, single submitter. Criteria: ACMG Guidelines, 2015. Collection method: clinical testing. Allele origin: germline. Inheritance: Autosomal dominant inheritance. Observed: 4 variant alleles, 4 heterozygotes.
Comment: This study involves interpretation of variants in research participants for the purpose of population health screening. Participant phenotype was not available at the time of variant classification. Additional details can be found in publication PMID: 35346344, PMCID: PMC8962531

Ambry Genetics
Classification: Likely benign for Cardiovascular phenotype. Last evaluated: 2022-10-27. Review status: criteria provided, single submitter. Criteria: Ambry Variant Classification Scheme 2023. Collection method: clinical testing. Allele origin: germline.

Color Diagnostics, LLC DBA Color Health
Classification: Likely benign for Cardiac arrhythmia. Last evaluated: 2021-11-19. Review status: criteria provided, single submitter. Criteria: ACMG Guidelines, 2015. Collection method: clinical testing. Allele origin: germline.